The following is an entry in ClinVar:

ClinVar aggregate classification (germline): Uncertain significance (1 of 4 stars; one submission).

Submission:

Labcorp Genetics (formerly Invitae), Labcorp
Classification: Uncertain significance. Last evaluated: 2023-12-12. Review status: criteria provided, single submitter. Criteria: Invitae Variant Classification Sherloc (09022015). Collection method: clinical testing. Allele origin: germline.
Comment: This sequence change falls in intron 2 of the SORL1 gene. It does not directly change the encoded amino acid sequence of the SORL1 protein. It affects a nucleotide within the consensus splice site. This variant is not present in population databases (gnomAD no frequency). This variant has not been reported in the literature in individuals affected with SORL1-related conditions. Variants that disrupt the consensus splice site are a relatively common cause of aberrant splicing (PMID: 17576681, 9536098). Algorithms developed to predict the effect of sequence changes on RNA splicing suggest that this variant is not likely to affect RNA splicing. In summary, the available evidence is currently insufficient to determine the role of this variant in disease. Therefore, it has been classified as a Variant of Uncertain Significance.

Literature cited by the submitters: PubMed 17576681; PubMed 9536098.

NM_003105.6(SORL1):c.403-3C>T

Genes: SORL1 (sortilin related receptor 1; plus strand), LOC105369535 (uncharacterized LOC105369535; minus strand). Cytogenetic location: 11q24.1.
Variant type: single nucleotide variant.
Coding change: c.403-3C>T on transcript NM_003105.6 (MANE Select); 3 bases into the intron before coding-DNA position 403, C replaced by T.
Molecular consequence: intron variant.
Genome position (GRCh38, 1-based): chr11:121,478,115, C>T. VCF-style: chr11-121478115-C-T. GRCh37 (hg19) VCF-style: chr11-121348824-C-T.
Identifiers: ClinVar variation 2980929 (VCV002980929.3), dbSNP rs778896351, ClinGen allele CA2740093239.